The following is an entry in ClinVar:

ClinVar aggregate classification (germline): Pathogenic (1 of 4 stars; one submission).

Conditions:
Immunodeficiency 28 (IMD28). Also called: IFNGR2 DEFICIENCY. Identifiers: Orphanet 319547, Orphanet 319574, MedGen C4013947, MONDO:0013953, OMIM 614889.

Allele frequency attached by ClinVar (database versions not stated): gnomAD exomes below 0.00001; gnomAD 0.00001; TOPMed 0.00001.

Submission:

Labcorp Genetics (formerly Invitae), Labcorp
Classification: Pathogenic for Immunodeficiency 28. Last evaluated: 2020-06-10. Review status: criteria provided, single submitter. Criteria: Invitae Variant Classification Sherloc (09022015). Collection method: clinical testing. Allele origin: germline.
Comment: Loss-of-function variants in IFNGR2 are known to be pathogenic (PMID: 23161749, 25135595). For these reasons, this variant has been classified as Pathogenic. This variant has been observed homozygous in an individual with interferon-gamma receptor 2 deficiency (PMID: 27522156). This variant is also known as c.503delCC, p.T168fs in the literature. This variant is not present in population databases (ExAC no frequency). This sequence change creates a premature translational stop signal (p.Thr168Ilefs*33) in the IFNGR2 gene. It is expected to result in an absent or disrupted protein product.

Literature cited by the submitters: PubMed 23161749; PubMed 25135595; PubMed 27522156.

NM_005534.4(IFNGR2):c.503_504del (p.Thr168fs)

Gene: IFNGR2 (interferon gamma receptor 2; plus strand). Cytogenetic location: 21q22.11.
Variant type: Deletion.
Coding change: c.503_504del on transcript NM_005534.4 (MANE Select); coding-DNA positions 503 to 504, 2 bases deleted (CC; older notation c.503_504delCC).
Protein change: p.Thr168fs; shifts the reading frame from threonine 168.
Molecular consequence: frameshift variant.
Genome position (GRCh38, 1-based): chr21:33,426,974-33,426,975, CC deleted. VCF-style (leftmost placement, unchanged base first): chr21-33426973-ACC-A. GRCh37 (hg19) VCF-style: chr21-34799280-ACC-A.
Other names: c.560_561del, p.Thr187fs (NM_001329128.2); short protein forms T168fs, T187fs.
Identifiers: ClinVar variation 949584 (VCV000949584.10), dbSNP rs1319389333, ClinGen allele CA638053009.